The following is an entry in ClinVar:

ClinVar aggregate classification (germline): Likely pathogenic. Review status: criteria provided, multiple submitters, no conflicts (2 of 4 stars). 2 submissions from 2 submitters: Likely pathogenic (2). Last evaluated 2025-08-25.

Conditions:
Autosomal recessive nonsyndromic hearing loss 9. Also called: AUDITORY NEUROPATHY, AUTOSOMAL RECESSIVE, 1, TEMPERATURE-SENSITIVE; Deafness, autosomal recessive 9; NEUROSENSORY NONSYNDROMIC RECESSIVE DEAFNESS 9; OTOF-Related Hearing Loss. Identifiers: Orphanet 90636, MedGen C1832828, MONDO:0010986, OMIM 601071.

Allele frequency attached by ClinVar (database versions not stated): gnomAD exomes below 0.00001; TOPMed 0.00001.
gnomAD v4.1: 3 of 1,552,240 alleles (0.00019%); highest among the groups gnomAD compares: Non-Finnish European, 0.00026%; no homozygotes.

Submissions (2):

First Genomix Gene Laboratory, Genetic Diagnostics Department
Classification: Likely pathogenic for Autosomal recessive nonsyndromic hearing loss 9. Last evaluated: 2025-08-25. Review status: criteria provided, single submitter. Criteria: ACMG Guidelines, 2015. Collection method: clinical testing. Allele origin: germline. Inheritance: Autosomal recessive inheritance. Affected: no. Observed: 1 variant allele.

Labcorp Genetics (formerly Invitae), Labcorp
Classification: Likely pathogenic. Last evaluated: 2023-11-20. Review status: criteria provided, single submitter. Criteria: Invitae Variant Classification Sherloc (09022015). Collection method: clinical testing. Allele origin: germline.
Comment: This sequence change affects an acceptor splice site in intron 1 of the OTOF gene. It is expected to disrupt RNA splicing. Variants that disrupt the donor or acceptor splice site typically lead to a loss of protein function (PMID: 16199547), and loss-of-function variants in OTOF are known to be pathogenic (PMID: 18381613, 19250381, 22575033). This variant is not present in population databases (gnomAD no frequency). This variant has not been reported in the literature in individuals affected with OTOF-related conditions. Algorithms developed to predict the effect of sequence changes on RNA splicing suggest that this variant may disrupt the consensus splice site. In summary, the currently available evidence indicates that the variant is pathogenic, but additional data are needed to prove that conclusively. Therefore, this variant has been classified as Likely Pathogenic.

Literature cited by the submitters: PubMed 16199547 (cited by Labcorp Genetics (formerly Invitae), Labcorp); PubMed 18381613 (cited by Labcorp Genetics (formerly Invitae), Labcorp); PubMed 19250381 (cited by Labcorp Genetics (formerly Invitae), Labcorp); PubMed 22575033 (cited by Labcorp Genetics (formerly Invitae), Labcorp).

NM_194248.3(OTOF):c.80-2A>G

Gene: OTOF (otoferlin; minus strand). Cytogenetic location: 2p23.3.
Variant type: single nucleotide variant.
Coding change: c.80-2A>G on transcript NM_194248.3 (MANE Select); the canonical splice acceptor site of the intron before coding-DNA position 80, A replaced by G.
Molecular consequence: splice acceptor variant.
Genome position (GRCh38, 1-based): chr2:26,537,776, T>C on the plus strand (A>G on the coding strand, the complement: OTOF is on the minus strand). VCF-style: chr2-26537776-T-C. GRCh37 (hg19) VCF-style: chr2-26760644-T-C.
Other names: c.80-2A>G (NM_001287489.2).
Identifiers: ClinVar variation 3000721 (VCV003000721.3), dbSNP rs1667109933, ClinGen allele CA346101276.